The following is an entry in ClinVar:

ClinVar aggregate classification (germline): Pathogenic. Review status: criteria provided, multiple submitters, no conflicts (2 of 4 stars). 2 submissions from 2 submitters: Pathogenic (2). Last evaluated 2025-07-01.

Conditions:
Primary ciliary dyskinesia. Also called: Ciliary dyskinesia. Identifiers: Orphanet 244, MedGen C0008780, MONDO:0016575, HP:0012265.
Primary ciliary dyskinesia 3. Identifiers: Orphanet 244, MedGen C1837618, MONDO:0012085, OMIM 608644.

Submissions (2):

Myriad Genetics, Inc.
Classification: Pathogenic for Primary ciliary dyskinesia 3. Last evaluated: 2025-07-01. Review status: criteria provided, single submitter. Criteria: Myriad Autosomal Dominant, Autosomal Recessive and X-Linked Classification Criteria (2023). Collection method: clinical testing. Allele origin: unknown.
Comment: NM_001369.2(DNAH5):c.8606_8607delCA(T2869Ifs*11) is expected to be pathogenic in the context of primary ciliary dyskinesia, DNAH5-related. This variant is predicted to lead to an abnormal or absent protein product due to the creation of a premature termination codon in DNAH5, a gene where loss-of-function variants are known to be pathogenic. Please note: this variant was assessed in the context of healthy population screening.

Labcorp Genetics (formerly Invitae), Labcorp
Classification: Pathogenic for Primary ciliary dyskinesia. Last evaluated: 2022-08-05. Review status: criteria provided, single submitter. Criteria: Invitae Variant Classification Sherloc (09022015). Collection method: clinical testing. Allele origin: germline.
Comment: This sequence change creates a premature translational stop signal (p.Thr2869Ilefs*11) in the DNAH5 gene. It is expected to result in an absent or disrupted protein product. Loss-of-function variants in DNAH5 are known to be pathogenic (PMID: 11788826, 16627867). This variant is not present in population databases (gnomAD no frequency). This variant has not been reported in the literature in individuals affected with DNAH5-related conditions. ClinVar contains an entry for this variant (Variation ID: 454810). For these reasons, this variant has been classified as Pathogenic.

Literature cited by the submitters: PubMed 11788826 (cited by Labcorp Genetics (formerly Invitae), Labcorp); PubMed 16627867 (cited by Labcorp Genetics (formerly Invitae), Labcorp).

NM_001369.3(DNAH5):c.8606_8607del (p.Thr2869fs)

Gene: DNAH5 (dynein axonemal heavy chain 5; minus strand). Cytogenetic location: 5p15.2.
Variant type: Microsatellite.
Coding change: c.8606_8607del on transcript NM_001369.3 (MANE Select); coding-DNA positions 8606 to 8607, 2 bases deleted (CA; older notation c.8606_8607delCA).
Protein change: p.Thr2869fs; shifts the reading frame from threonine 2869.
Molecular consequence: frameshift variant.
Genome position (GRCh38, 1-based): chr5:13,788,756-13,788,757, TG deleted on the plus strand (CA on the coding strand, the reverse complement: DNAH5 is on the minus strand); deleting any 2 consecutive bases within chr5:13,788,756-13,788,760 gives the same sequence; the c. name uses the placement nearest the transcript's 3' end. VCF-style (leftmost placement, unchanged base first): chr5-13788755-ATG-A. GRCh37 (hg19) VCF-style: chr5-13788864-ATG-A.
Other names: c.8606_8607delCA (NM_001369.2); short protein forms T2869fs.
Identifiers: ClinVar variation 454810 (VCV000454810.8), dbSNP rs1554049087, ClinGen allele CA658655862.